The following is an entry in ClinVar:

ClinVar aggregate classification (germline): Uncertain significance (1 of 4 stars; one submission).

Conditions:
Short-rib thoracic dysplasia 13 with or without polydactyly (SRTD13). Identifiers: Orphanet 474, MedGen C4225378, MONDO:0014577, OMIM 616300.

Allele frequency attached by ClinVar (database versions not stated): gnomAD exomes below 0.00001; gnomAD 0.00001.
gnomAD v4.1: 5 of 1,614,042 alleles (0.00031%); highest among the groups gnomAD compares: East Asian, 0.011%; no homozygotes.

Submission:

Labcorp Genetics (formerly Invitae), Labcorp
Classification: Uncertain significance for Short-rib thoracic dysplasia 13 with or without polydactyly. Last evaluated: 2022-06-27. Review status: criteria provided, single submitter. Criteria: Invitae Variant Classification Sherloc (09022015). Collection method: clinical testing. Allele origin: germline.
Comment: In summary, the available evidence is currently insufficient to determine the role of this variant in disease. Therefore, it has been classified as a Variant of Uncertain Significance. Algorithms developed to predict the effect of missense changes on protein structure and function (SIFT, PolyPhen-2, Align-GVGD) all suggest that this variant is likely to be tolerated. This variant has not been reported in the literature in individuals affected with CEP120-related conditions. This variant is present in population databases (no rsID available, gnomAD 0.02%). This sequence change replaces glutamic acid, which is acidic and polar, with alanine, which is neutral and non-polar, at codon 327 of the CEP120 protein (p.Glu327Ala).

NM_001375405.1(CEP120):c.980A>C (p.Glu327Ala)

Gene: CEP120 (centrosomal protein 120; minus strand). Cytogenetic location: 5q23.2.
Variant type: single nucleotide variant.
Coding change: c.980A>C on transcript NM_001375405.1 (MANE Select); coding-DNA position 980, A replaced by C.
Protein change: p.Glu327Ala; replaces glutamic acid 327 with alanine.
Molecular consequence: missense variant. On other transcripts: non-coding transcript variant (1).
Genome position (GRCh38, 1-based): chr5:123,391,168, T>G on the plus strand (A>C on the coding strand, the complement: CEP120 is on the minus strand). VCF-style: chr5-123391168-T-G. GRCh37 (hg19) VCF-style: chr5-122726862-T-G.
Other names: c.902A>C, p.Glu301Ala (NM_001166226.2); c.980A>C, p.Glu327Ala (NM_001375406.1, NM_001375407.1, NM_153223.4); c.407A>C, p.Glu136Ala (NM_001375408.1, NM_001375409.1); short protein forms E327A, E136A, E301A.
Identifiers: ClinVar variation 1508097 (VCV001508097.6), dbSNP rs1304562610, ClinGen allele CA360891806.
Genomic context (GRCh38, chr5:123,391,168, plus strand): 5'-GCCTGGGAGTCTATGCCTTCTCTCTGCAGAGCCACAGACACTCCCACAGTTGGGGCTAGC[T>G]CCACAGGAATAGGTGCAAGCTTCTGTTTGGCTCTGTTTGGAGGGTCAAGGGTAAAAGCAC-3'
Protein context (NP_001362334.1, residues 317-337): AKQKLAPIPV[Glu327Ala]LAPTVGVSVA